The following is an entry in ClinVar:

NM_014629.4(ARHGEF10):c.3530T>C (p.Met1177Thr)

Gene: ARHGEF10 (Rho guanine nucleotide exchange factor 10; plus strand). Cytogenetic location: 8p23.3.
Variant type: single nucleotide variant.
Coding change: c.3530T>C on transcript NM_014629.4 (MANE Select); coding-DNA position 3530, T replaced by C.
Protein change: p.Met1177Thr; replaces methionine 1177 with threonine.
Molecular consequence: missense variant.
Genome position (GRCh38, 1-based): chr8:1,956,758, T>C. VCF-style: chr8-1956758-T-C. GRCh37 (hg19) VCF-style: chr8-1904924-T-C.
Other names: c.3530T>C, p.Met1177Thr (NM_001308153.3); c.3416T>C, p.Met1139Thr (NM_001308152.2); short protein forms M1139T, M1177T, M1201T.
Identifiers: ClinVar variation 1463025 (VCV001463025.8), dbSNP rs776776621, ClinGen allele CA4601418.

ClinVar aggregate classification (germline): Uncertain significance. Review status: criteria provided, multiple submitters, no conflicts (2 of 4 stars). 2 submissions from 2 submitters: Uncertain significance (2). Last evaluated 2025-08-31.

Allele frequency attached by ClinVar (database versions not stated): gnomAD exomes 0.00001 and 0.00002; ExAC 0.00003; gnomAD 0.00003; TOPMed 0.00004.

Submissions (2):

Labcorp Genetics (formerly Invitae), Labcorp
Classification: Uncertain significance. Last evaluated: 2025-08-31. Review status: criteria provided, single submitter. Criteria: Invitae Variant Classification Sherloc (09022015). Collection method: clinical testing. Allele origin: germline.
Comment: This sequence change replaces methionine, which is neutral and non-polar, with threonine, which is neutral and polar, at codon 1177 of the ARHGEF10 protein (p.Met1177Thr). This variant is present in population databases (rs776776621, gnomAD 0.006%). This variant has not been reported in the literature in individuals affected with ARHGEF10-related conditions. ClinVar contains an entry for this variant (Variation ID: 1463025). Invitae Evidence Modeling of protein sequence and biophysical properties (such as structural, functional, and spatial information, amino acid conservation, physicochemical variation, residue mobility, and thermodynamic stability) has been performed for this missense variant. However, the output from this modeling did not meet the statistical confidence thresholds required to predict the impact of this variant on ARHGEF10 protein function. In summary, the available evidence is currently insufficient to determine the role of this variant in disease. Therefore, it has been classified as a Variant of Uncertain Significance.

Dasa
Classification: Uncertain significance. Last evaluated: 2025-03-18. Review status: criteria provided, single submitter. Criteria: DASA Assertion Criteria. Collection method: clinical testing. Allele origin: germline.
Comment: NM_014629.4(ARHGEF10):c.3530T>C (p.Met1177Thr) is a missense variant that results in the substitution of methionine with threonine. This variant is rare in population databases. Computational prediction algorithms are consistent with a benign effect. The currently available literature and clinical evidence are not sufficient to establish a definitive association between this variant and the reported condition. Therefore, this variant is classified as a variant of uncertain significance.